The following is an entry in ClinVar:

ClinVar aggregate classification (germline): Uncertain significance. Review status: criteria provided, multiple submitters, no conflicts (2 of 4 stars). 2 submissions from 2 submitters: Uncertain significance (2). Last evaluated 2024-06-16.

Conditions:
Inborn genetic diseases. Identifiers: MedGen C0950123, MeSH D030342.

Allele frequency attached by ClinVar (database versions not stated): TOPMed below 0.00001; gnomAD 0.00001.
gnomAD v4.1: 1 of 1,205,497 alleles (0.000083%); highest among the groups gnomAD compares: Non-Finnish European, 0.00011%; no homozygotes.

Submissions (2):

Ambry Genetics
Classification: Uncertain significance for Inborn genetic diseases. Last evaluated: 2024-06-16. Review status: criteria provided, single submitter. Criteria: Ambry Variant Classification Scheme 2023. Collection method: clinical testing. Allele origin: germline.

GeneDx
Classification: Uncertain significance. Last evaluated: 2022-03-18. Review status: criteria provided, single submitter. Criteria: GeneDx Variant Classification Process June 2021. Collection method: clinical testing. Allele origin: germline. Affected: yes.
Comment: Not observed at significant frequency in large population cohorts (gnomAD); In silico analysis supports that this missense variant has a deleterious effect on protein structure/function; Has not been previously published as pathogenic or benign to our knowledge

NM_001081550.2(THOC2):c.2309A>G (p.Tyr770Cys)

Gene: THOC2 (THO complex subunit 2; minus strand). Cytogenetic location: Xq25.
Variant type: single nucleotide variant.
Coding change: c.2309A>G on transcript NM_001081550.2 (MANE Select); coding-DNA position 2309, A replaced by G.
Protein change: p.Tyr770Cys; replaces tyrosine 770 with cysteine.
Molecular consequence: missense variant.
Genome position (GRCh38, 1-based): chrX:123,632,868, T>C on the plus strand (A>G on the coding strand, the complement: THOC2 is on the minus strand). VCF-style: chrX-123632868-T-C. GRCh37 (hg19) VCF-style: chrX-122766719-T-C.
Other names: short protein forms Y770C.
Identifiers: ClinVar variation 1706400 (VCV001706400.3), dbSNP rs979471831, ClinGen allele CA335255720.